The following continues an entry in ClinVar:

NM_000059.4(BRCA2):c.9382C>T (p.Arg3128Ter)

Gene: BRCA2. ClinVar aggregate classification (germline): Pathogenic. Pathogenic (1). ClinVar aggregate classification (somatic clinical impact): Tier II - Potential.

Submission 61 of 61:

Joint Genome Diagnostic Labs from Nijmegen and Maastricht, Radboudumc and MUMC+
Classification: Pathogenic. Review status: no assertion criteria provided. Collection method: clinical testing. Allele origin: germline. Affected: yes. Study: VKGL Data-share Consensus. Not counted in ClinVar's aggregate classification.

Literature cited by the submitters: PubMed 20104584 (cited by 3 submitters); PubMed 10978364 (cited by 12 submitters); PubMed 11400546 (cited by 4 submitters); PubMed 15168169 (cited by 6 submitters); PubMed 16683254 (cited by 4 submitters); PubMed 16905680 (cited by 7 submitters); PubMed 20736950 (cited by 7 submitters); PubMed 24156927 (cited by 4 submitters); PubMed 24556621 (cited by 5 submitters); PubMed 24728189 (cited by 4 submitters); PubMed 24916970 (cited by 5 submitters); PubMed 29371908 (cited by 3 submitters); PubMed 17925560 (cited by Color Diagnostics, LLC DBA Color Health and Women's Health and Genetics/Laboratory Corporation of America, LabCorp); PubMed 25452441 (cited by Color Diagnostics, LLC DBA Color Health); PubMed 28294317 (cited by Color Diagnostics, LLC DBA Color Health and Pittsburgh Clinical Genomics Laboratory, University of Pittsburgh Medical Center); PubMed 28477318 (cited by 3 submitters); PubMed 29088781 (cited by 5 submitters); PubMed 29339979 (cited by Color Diagnostics, LLC DBA Color Health); PubMed 29907814 (cited by Color Diagnostics, LLC DBA Color Health and Quest Diagnostics Nichols Institute San Juan Capistrano); PubMed 30287823 (cited by Color Diagnostics, LLC DBA Color Health); PubMed 31853058 (cited by Color Diagnostics, LLC DBA Color Health); PubMed 33471991 (cited by Color Diagnostics, LLC DBA Color Health and Quest Diagnostics Nichols Institute San Juan Capistrano); PubMed 37922907 (cited by Color Diagnostics, LLC DBA Color Health); PubMed 39779857 (cited by Color Diagnostics, LLC DBA Color Health); PubMed 24884479 (cited by Ambry Genetics); PubMed 26287763 (cited by Ambry Genetics); PubMed 27257965 (cited by Ambry Genetics and Laboratory of Molecular Diagnosis of Cancer, West China Hospital, Sichuan University); PubMed 27469594 (cited by Ambry Genetics); PubMed 27741520 (cited by 3 submitters); PubMed 34567246 (cited by Ambry Genetics and All of Us Research Program, National Institutes of Health); PubMed 8988179 (cited by All of Us Research Program, National Institutes of Health); PubMed 11897832 (cited by All of Us Research Program, National Institutes of Health); PubMed 25476495 (cited by All of Us Research Program, National Institutes of Health); PubMed 29446198 (cited by 3 submitters); PubMed 31325073 (cited by All of Us Research Program, National Institutes of Health); PubMed 32438681 (cited by All of Us Research Program, National Institutes of Health and Quest Diagnostics Nichols Institute San Juan Capistrano); PubMed 36232564 (cited by All of Us Research Program, National Institutes of Health); PubMed 35464868 (cited by Quest Diagnostics Nichols Institute San Juan Capistrano); PubMed 32318955 (cited by Quest Diagnostics Nichols Institute San Juan Capistrano); PubMed 37310942 (cited by Quest Diagnostics Nichols Institute San Juan Capistrano); PubMed 25980754 (cited by Quest Diagnostics Nichols Institute San Juan Capistrano); PubMed 34196900 (cited by Quest Diagnostics Nichols Institute San Juan Capistrano); PubMed 31263054 (cited by Quest Diagnostics Nichols Institute San Juan Capistrano); PubMed 35980532 (cited by Quest Diagnostics Nichols Institute San Juan Capistrano); PubMed 31957001 (cited by Quest Diagnostics Nichols Institute San Juan Capistrano); PubMed 32832836 (cited by Quest Diagnostics Nichols Institute San Juan Capistrano); PubMed 25428789 (cited by Quest Diagnostics Nichols Institute San Juan Capistrano); PubMed 26295337 (cited by Quest Diagnostics Nichols Institute San Juan Capistrano); PubMed 33653301 (cited by Institute for Genomic Medicine (IGM) Clinical Laboratory, Nationwide Children's Hospital); PubMed 35326540 (cited by Institute for Genomic Medicine (IGM) Clinical Laboratory, Nationwide Children's Hospital); PubMed 36329109 (cited by Genetics Program, Instituto Nacional de Cancer); PubMed 19491284 (cited by Women's Health and Genetics/Laboratory Corporation of America, LabCorp); PubMed 18465347 (cited by Women's Health and Genetics/Laboratory Corporation of America, LabCorp); PubMed 23096105 (cited by Women's Health and Genetics/Laboratory Corporation of America, LabCorp); PubMed 19016756 (cited by Women's Health and Genetics/Laboratory Corporation of America, LabCorp); PubMed 23469205 (cited by Clinical and Functional Genomics Group, A.C.Camargo Cancer Center); PubMed 36988593 (cited by Laboratory for Genotyping Development, RIKEN); PubMed 38922859 (cited by Molecular Oncology, Hospital Universitario Central de Asturias (HUCA)); PubMed 32295079 (cited by CZECANCA consortium).